The following is an entry in ClinVar:

ClinVar aggregate classification (germline): Uncertain significance (1 of 4 stars; one submission).

Allele frequency attached by ClinVar (database versions not stated): gnomAD exomes below 0.00001.
gnomAD v4.1: 2 of 1,610,860 alleles (0.00012%); highest among the groups gnomAD compares: Non-Finnish European, 0.00017%; no homozygotes.

Submission:

GeneDx
Classification: Uncertain significance. Last evaluated: 2022-04-06. Review status: criteria provided, single submitter. Criteria: GeneDx Variant Classification Process June 2021. Collection method: clinical testing. Allele origin: germline. Affected: yes.
Comment: Not observed at significant frequency in large population cohorts (gnomAD); In silico analysis supports that this missense variant does not alter protein structure/function; Has not been previously published as pathogenic or benign to our knowledge; Variants in candidate genes are classified as variants of uncertain significance in accordance with ACMG guidelines (Richards et al., 2015)

NM_014458.4(KLHL20):c.1756G>A (p.Gly586Arg)

Gene: KLHL20 (kelch like family member 20; plus strand). Cytogenetic location: 1q25.1.
Variant type: single nucleotide variant.
Coding change: c.1756G>A on transcript NM_014458.4 (MANE Select); coding-DNA position 1756, G replaced by A.
Protein change: p.Gly586Arg; replaces glycine 586 with arginine.
Molecular consequence: missense variant.
Genome position (GRCh38, 1-based): chr1:173,785,173, G>A. VCF-style: chr1-173785173-G-A. GRCh37 (hg19) VCF-style: chr1-173754311-G-A.
Other names: short protein forms G586R.
Identifiers: ClinVar variation 1723007 (VCV001723007.2), dbSNP rs2525578833, ClinGen allele CA343814084.
Genomic context (GRCh38, chr1:173,785,173, plus strand): 5'-TGTAACATATTTTCCAGTTAGAAAATATGATTATGTTTCTTTCTTTGCAGGTTATATGGC[G>A]GGATGAATTACCGTCGGCTAGGGGGTGGCGTAGGAGTTATTAAAATGACACATTGTGAAT-3'
Protein context (NP_055273.2, residues 576-596): PDANTWRLYG[Gly586Arg]MNYRRLGGGV